The following is an entry in ClinVar:

NC_000001.10:g.(?_77554673)_(77558176_77587959)del

Gene: PIGK (phosphatidylinositol glycan anchor biosynthesis class K; minus strand). Cytogenetic location: 1p31.1.
Variant type: Deletion.
Identifiers: ClinVar variation 3907034 (VCV003907034.1).

ClinVar aggregate classification (germline): Uncertain significance (1 of 4 stars; one submission).

Submission:

Women's Health and Genetics/Laboratory Corporation of America, LabCorp
Classification: Uncertain significance. Last evaluated: 2025-06-18. Review status: criteria provided, single submitter. Criteria: LabCorp Variant Classification Summary - May 2015. Collection method: clinical testing. Allele origin: germline.
Comment: Variant summary: The variant involves the deletion of exon 11 in the PIGK gene. A presumed nomenclature of c.(1071+1_1072-1)_(*3386_?)del has been designated for the purposes of this classification. The exact breakpoint at the distal 3' end of this variant is unknown, therefore this deletion may extend downstream of the annotated region of the gene. As it encompasses the termination codon, it is predicted to escape nonsense mediated decay (NMD). The variant was absent in 21694 control chromosomes (gnomAD, structural variants dataset). The available data on variant occurrences in the general population are insufficient to allow any conclusion about variant significance. To our knowledge, no occurrence of c.(1071+1_1072-1)_(*3386_?)del in individuals affected with Neurodevelopmental Disorder With Hypotonia And Cerebellar Atrophy, With Or Without Seizures and no experimental evidence demonstrating its impact on protein function have been reported. No submitters have cited clinical-significance assessments for this variant to ClinVar. Based on the evidence outlined above, the variant was classified as uncertain significance.